The following is an entry in ClinVar:

ClinVar aggregate classification (germline): Uncertain significance (1 of 4 stars; one submission).

Submission:

Women's Health and Genetics/Laboratory Corporation of America, LabCorp
Classification: Uncertain significance. Last evaluated: 2024-02-27. Review status: criteria provided, single submitter. Criteria: LabCorp Variant Classification Summary - May 2015. Collection method: clinical testing. Allele origin: germline.
Comment: Variant summary: ANKRD17 c.1384A>G (p.Met462Val) results in a conservative amino acid change in the encoded protein sequence. Three of five in-silico tools predict a damaging effect of the variant on protein function. The variant was absent in 249418 control chromosomes. The available data on variant occurrences in the general population are insufficient to allow any conclusion about variant significance. To our knowledge, no occurrence of c.1384A>G in individuals affected with Chopra-Amiel Syndrome and no experimental evidence demonstrating its impact on protein function have been reported. No submitters have cited clinical-significance assessments for this variant to ClinVar. Based on the evidence outlined above, the variant was classified as uncertain significance.

NM_032217.5(ANKRD17):c.1384A>G (p.Met462Val)

Gene: ANKRD17 (ankyrin repeat domain 17; minus strand). Cytogenetic location: 4q13.3.
Variant type: single nucleotide variant.
Coding change: c.1384A>G on transcript NM_032217.5 (MANE Select); coding-DNA position 1384, A replaced by G.
Protein change: p.Met462Val; replaces methionine 462 with valine.
Molecular consequence: missense variant.
Genome position (GRCh38, 1-based): chr4:73,148,996, T>C on the plus strand (A>G on the coding strand, the complement: ANKRD17 is on the minus strand). VCF-style: chr4-73148996-T-C. GRCh37 (hg19) VCF-style: chr4-74014713-T-C.
Other names: c.1045A>G, p.Met349Val (NM_001286771.3); c.1384A>G, p.Met462Val (NM_015574.2, NM_198889.3); short protein forms M349V, M462V.
Identifiers: ClinVar variation 3068781 (VCV003068781.2), dbSNP rs2531152504, ClinGen allele CA357226812.
Genomic context (GRCh38, chr4:73,148,996, plus strand): 5'-GTTCCACATGCCCACCACATGCAGCCAAAGTTAATGGTGACTCAAATGAATCAGCAGGCA[T>C]GTTCACTTGGGCACCGCTGTCAAGAAGTAACCTAGCTACTTCAACATGGCCATCCTAATG-3'
Protein context (NP_115593.3, residues 452-472): LLLDSGAQVN[Met462Val]PADSFESPLT